The following is an entry in ClinVar:

NM_000256.3(MYBPC3):c.2351G>C (p.Gly784Ala)

Gene: MYBPC3 (myosin binding protein C3; minus strand). Cytogenetic location: 11p11.2.
Variant type: single nucleotide variant.
Coding change: c.2351G>C on transcript NM_000256.3 (MANE Select); coding-DNA position 2351, G replaced by C.
Protein change: p.Gly784Ala; replaces glycine 784 with alanine.
Molecular consequence: missense variant.
Genome position (GRCh38, 1-based): chr11:47,337,752, C>G on the plus strand (G>C on the coding strand, the complement: MYBPC3 is on the minus strand). VCF-style: chr11-47337752-C-G. GRCh37 (hg19) VCF-style: chr11-47359303-C-G.
Other names: short protein forms G784A.
Identifiers: ClinVar variation 839163 (VCV000839163.11), dbSNP rs931275955, ClinGen allele CA380318905.
Genomic context (GRCh38, chr11:47,337,752, plus strand): 5'-AGGATGGGCTGCCCGCCATCGTAGGCAGGCGGCTCCCACTGTACTGTGCAGGAGTCCTCT[C>G]CCACGTTGCTGATCTTGGGGGCCGCAGGTGCGTCTGGCACGTCTGGATGGGGTGGGATGG-3'
Protein context (NP_000247.2, residues 774-794): APAAPKISNV[Gly784Ala]EDSCTVQWEP

ClinVar aggregate classification (germline): Uncertain significance. Review status: criteria provided, multiple submitters, no conflicts (2 of 4 stars). 2 submissions from 2 submitters: Uncertain significance (2). Last evaluated 2022-11-22.

Conditions:
Cardiovascular phenotype. Identifiers: MedGen CN230736.
Hypertrophic cardiomyopathy. Also called: HYPERTROPHIC MYOCARDIOPATHY. Identifiers: Orphanet 217569, MedGen C0007194, MeSH D002312, MONDO:0005045, HP:0001639.

Allele frequency attached by ClinVar (database versions not stated): gnomAD 0.00001; TOPMed 0.00001.
gnomAD v4.1: 1 of 1,556,566 alleles (0.000064%); highest among the groups gnomAD compares: Admixed American, 0.0019%; no homozygotes.

Submissions (2):

Labcorp Genetics (formerly Invitae), Labcorp
Classification: Uncertain significance for Hypertrophic cardiomyopathy. Last evaluated: 2022-11-22. Review status: criteria provided, single submitter. Criteria: Invitae Variant Classification Sherloc (09022015). Collection method: clinical testing. Allele origin: germline.
Comment: In summary, the available evidence is currently insufficient to determine the role of this variant in disease. Therefore, it has been classified as a Variant of Uncertain Significance. Algorithms developed to predict the effect of missense changes on protein structure and function (SIFT, PolyPhen-2, Align-GVGD) all suggest that this variant is likely to be disruptive. ClinVar contains an entry for this variant (Variation ID: 839163). This variant has not been reported in the literature in individuals affected with MYBPC3-related conditions. This variant is not present in population databases (gnomAD no frequency). This sequence change replaces glycine, which is neutral and non-polar, with alanine, which is neutral and non-polar, at codon 784 of the MYBPC3 protein (p.Gly784Ala).

Ambry Genetics
Classification: Uncertain significance for Cardiovascular phenotype. Last evaluated: 2020-04-28. Review status: criteria provided, single submitter. Criteria: Ambry Variant Classification Scheme 2023. Collection method: clinical testing. Allele origin: germline.
Comment: The p.G784A variant (also known as c.2351G>C), located in coding exon 24 of the MYBPC3 gene, results from a G to C substitution at nucleotide position 2351. The glycine at codon 784 is replaced by alanine, an amino acid with similar properties. This amino acid position is highly conserved in available vertebrate species. In addition, the in silico prediction for this alteration is inconclusive. Since supporting evidence is limited at this time, the clinical significance of this alteration remains unclear.